The following is an entry in ClinVar:

NM_001386393.1(PANK2):c.298+3_298+6del

Genes: PANK2 (pantothenate kinase 2; plus strand), LOC130065345 (ATAC-STARR-seq lymphoblastoid silent region 12635; plus strand). Cytogenetic location: 20p13.
Variant type: Deletion.
Coding change: c.298+3_298+6del on transcript NM_001386393.1 (MANE Select); bases 3 to 6 of the intron after coding-DNA position 298, 4 bases deleted (AAGT; older notation c.298+3_298+6delAAGT).
Molecular consequence: splice donor variant. On other transcripts: intron variant (1).
Genome position (GRCh38, 1-based): chr20:3,889,731-3,889,734, AAGT deleted; deleting any 4 consecutive bases within chr20:3,889,729-3,889,734 gives the same sequence; the c. name uses the placement nearest the transcript's 3' end. VCF-style (leftmost placement, unchanged base first): chr20-3889728-CGTAA-C. GRCh37 (hg19) VCF-style: chr20-3870375-CGTAA-C.
Other names: c.-246+827_-246+830del (NM_024960.6); c.628+3_628+6del (NM_153638.4, NM_001324192.1); c.-414+3_-414+6del (NM_001324191.2).
Identifiers: ClinVar variation 1962534 (VCV001962534.4), dbSNP rs2515426185, ClinGen allele CA2580098013.

ClinVar aggregate classification (germline): Uncertain significance (1 of 4 stars; one submission).

Conditions:
Pigmentary pallidal degeneration (NBIA1). Also called: HARP SYNDROME; PKAN NEUROAXONAL DYSTROPHY, JUVENILE-ONSET; Pantothenate Kinase-Associated Neurodegeneration; Neurodegeneration with brain iron accumulation 1; Neuroaxonal dystrophy, late infantile; Hallervorden-Spatz disease. Identifiers: Orphanet 157850, MedGen C0018523, MONDO:0009319, OMIM 234200.

Submission:

Labcorp Genetics (formerly Invitae), Labcorp
Classification: Uncertain significance for Pigmentary pallidal degeneration. Last evaluated: 2022-10-24. Review status: criteria provided, single submitter. Criteria: Invitae Variant Classification Sherloc (09022015). Collection method: clinical testing. Allele origin: germline.
Comment: This sequence change falls in intron 1 of the PANK2 gene. It does not directly change the encoded amino acid sequence of the PANK2 protein. It affects a nucleotide within the consensus splice site. This variant is not present in population databases (gnomAD no frequency). This variant has not been reported in the literature in individuals affected with PANK2-related conditions. Variants that disrupt the consensus splice site are a relatively common cause of aberrant splicing (PMID: 17576681, 9536098). Algorithms developed to predict the effect of sequence changes on RNA splicing suggest that this variant may disrupt the consensus splice site. In summary, the available evidence is currently insufficient to determine the role of this variant in disease. Therefore, it has been classified as a Variant of Uncertain Significance.

Literature cited by the submitters: PubMed 17576681; PubMed 9536098.